The following is an entry in ClinVar:

NM_006796.3(AFG3L2):c.271G>T (p.Glu91Ter)

Gene: AFG3L2 (AFG3 like matrix AAA peptidase subunit 2; minus strand). Cytogenetic location: 18p11.21.
Variant type: single nucleotide variant.
Coding change: c.271G>T on transcript NM_006796.3 (MANE Select); coding-DNA position 271, G replaced by T.
Protein change: p.Glu91Ter; replaces glutamic acid 91 with a stop codon.
Molecular consequence: nonsense.
Genome position (GRCh38, 1-based): chr18:12,370,870, C>A on the plus strand (G>T on the coding strand, the complement: AFG3L2 is on the minus strand). VCF-style: chr18-12370870-C-A. GRCh37 (hg19) VCF-style: chr18-12370869-C-A.
Other names: short protein forms E91*.
Identifiers: ClinVar variation 4847721 (VCV004847721.1).

ClinVar aggregate classification (germline): Pathogenic (1 of 4 stars; one submission).

Conditions:
Spinocerebellar ataxia type 28 (SCA28). Also called: Spinocerebellar Ataxia Type 28 (SCA28). Identifiers: Orphanet 101109, MedGen C1853249, MONDO:0012450, OMIM 610246.

Submission:

Women's Health and Genetics/Laboratory Corporation of America, LabCorp
Classification: Pathogenic for Spinocerebellar ataxia type 28. Last evaluated: 2026-03-24. Review status: criteria provided, single submitter. Criteria: LabCorp Variant Classification Summary - May 2015. Collection method: clinical testing. Allele origin: germline.
Comment: Variant summary: AFG3L2 c.271G>T (p.Glu91X) results in a premature termination codon, predicted to cause a truncation of the encoded protein or absence of the protein due to nonsense mediated decay, which are commonly known mechanisms for disease. The variant was absent in 243628 control chromosomes. To our knowledge, no occurrence of c.271G>T in individuals affected with AFG3L2-related conditions and no experimental evidence demonstrating its impact on protein function have been reported. No submitters have cited clinical-significance assessments for this variant to ClinVar. Based on the evidence outlined above, the variant was classified as pathogenic.